The following is an entry in ClinVar:

NM_004360.5(CDH1):c.2220del (p.Leu741fs)

Gene: CDH1 (cadherin 1; plus strand). Cytogenetic location: 16q22.1.
Variant type: Deletion.
Coding change: c.2220del on transcript NM_004360.5 (MANE Select); coding-DNA position 2220, one base deleted (C; older notation c.2220delC).
Protein change: p.Leu741fs; shifts the reading frame from leucine 741.
Molecular consequence: frameshift variant.
Genome position (GRCh38, 1-based): chr16:68,828,229, C deleted; the last of 3 consecutive C bases (chr16:68,828,227-68,828,229); deleting any one gives the same sequence. VCF-style (leftmost placement, unchanged base first): chr16-68828226-GC-G. GRCh37 (hg19) VCF-style: chr16-68862129-GC-G.
Other names: c.2037del, p.Leu680fs (NM_001317184.2); c.672del, p.Leu225fs (NM_001317185.2); c.255del, p.Leu86fs (NM_001317186.2); short protein forms L225fs, L680fs, L741fs, L86fs.
Identifiers: ClinVar variation 2502994 (VCV002502994.4), dbSNP rs2543953615, ClinGen allele CA2580612895.

ClinVar aggregate classification (germline): Pathogenic. Review status: criteria provided, multiple submitters, no conflicts (2 of 4 stars). 3 submissions from 3 submitters: Pathogenic (3). Last evaluated 2025-05-19.

Conditions:
Hereditary diffuse gastric adenocarcinoma (HDGC). Also called: DIFFUSE GASTRIC AND LOBULAR BREAST CANCER SYNDROME. Identifiers: Orphanet 26106, MedGen C1708349, MONDO:0007648, OMIM 137215.
Hereditary cancer-predisposing syndrome. Also called: Tumor predisposition; Hereditary neoplastic syndrome; Neoplastic Syndromes, Hereditary; Hereditary Cancer Syndrome. Identifiers: Orphanet 140162, MedGen C0027672, MeSH D009386, MONDO:0015356.

Submissions (3):

Ambry Genetics
Classification: Pathogenic for Hereditary cancer-predisposing syndrome. Last evaluated: 2025-05-19. Review status: criteria provided, single submitter. Criteria: Ambry Variant Classification Scheme 2023. Collection method: clinical testing. Allele origin: germline.
Comment: The c.2220delC pathogenic mutation, located in coding exon 14 of the CDH1 gene, results from a deletion of one nucleotide at nucleotide position 2220, causing a translational frameshift with a predicted alternate stop codon (p.L741Yfs*29). This variant was reported in individual(s) with features consistent with CDH1-related diffuse gastric and lobular breast cancer (DGLBC) (Ambry internal data). This variant is considered to be rare based on population cohorts in the Genome Aggregation Database (gnomAD). This alteration is expected to result in loss of function by premature protein truncation or nonsense-mediated mRNA decay. As such, this alteration is interpreted as a disease-causing mutation.

Myriad Genetics, Inc.
Classification: Pathogenic for Hereditary diffuse gastric adenocarcinoma. Last evaluated: 2023-06-15. Review status: criteria provided, single submitter. Criteria: Myriad Autosomal Dominant, Autosomal Recessive and X-Linked Classification Criteria (2023). Collection method: clinical testing. Allele origin: unknown.
Comment: This variant is considered pathogenic. This variant creates a frameshift predicted to result in premature protein truncation.

European Reference Network on Genetic Tumour Risk Syndromes (ERN-GENTURIS), i3s - Instituto de Investigação e Inovação em Saúde, University of Porto
Classification: Pathogenic for Hereditary diffuse gastric adenocarcinoma. Last evaluated: 2022-08-01. Review status: criteria provided, single submitter. Criteria: Lee et al. (Hum Mutat. 2018). Collection method: clinical testing. Allele origin: germline. Inheritance: Autosomal dominant inheritance. Affected: yes. Study: ERN GENTURIS.
Comment: PVS1; PS4_Supporting; PM2 (PMID: 30311375)

Literature cited by the submitters: PubMed 36436516 (cited by European Reference Network on Genetic Tumour Risk Syndromes (ERN-GENTURIS), i3s - Instituto de Investigação e Inovação em Saúde, University of Porto); PubMed 28688938 (cited by European Reference Network on Genetic Tumour Risk Syndromes (ERN-GENTURIS), i3s - Instituto de Investigação e Inovação em Saúde, University of Porto).